The following is an entry in ClinVar:

NM_032861.4(SERAC1):c.1501+3_1501+6del

Gene: SERAC1 (serine active site containing 1; minus strand). Cytogenetic location: 6q25.3.
Variant type: Deletion.
Coding change: c.1501+3_1501+6del on transcript NM_032861.4 (MANE Select); bases 3 to 6 of the intron after coding-DNA position 1501, 4 bases deleted (AAGT; older notation c.1501+3_1501+6delAAGT).
Molecular consequence: splice donor variant.
Genome position (GRCh38, 1-based): chr6:158,116,179-158,116,182, ACTT deleted on the plus strand (AAGT on the coding strand, the reverse complement: SERAC1 is on the minus strand); deleting any 4 consecutive bases within chr6:158,116,179-158,116,184 gives the same sequence; the c. name uses the placement nearest the transcript's 3' end. VCF-style (leftmost placement, unchanged base first): chr6-158116178-CACTT-C. GRCh37 (hg19) VCF-style: chr6-158537210-CACTT-C.
Other names: c.1501+3_1501+6delAAGT (NM_032861.3).
Identifiers: ClinVar variation 215147 (VCV000215147.5), dbSNP rs780783562, ClinGen allele CA323696.

ClinVar aggregate classification (germline): Likely pathogenic (1 of 4 stars; one submission).

Submission:

GeneDx
Classification: Likely pathogenic. Last evaluated: 2026-01-15. Review status: criteria provided, single submitter. Criteria: GeneDx Variant Classification Process June 2021. Collection method: clinical testing. Allele origin: germline. Affected: yes.
Comment: Not observed at significant frequency in large population cohorts (gnomAD); In silico analysis supports a deleterious effect on splicing; This variant is associated with the following publications: (PMID: 26077850)